The following is an entry in ClinVar:

ClinVar aggregate classification (germline): Uncertain significance (1 of 4 stars; one submission).

gnomAD v4.1: 1 of 1,210,866 alleles (0.000083%); highest among the groups gnomAD compares: Non-Finnish European, 0.00011%; no homozygotes.

Submission:

GeneDx
Classification: Uncertain significance. Last evaluated: 2023-11-02. Review status: criteria provided, single submitter. Criteria: GeneDx Variant Classification Process June 2021. Collection method: clinical testing. Allele origin: germline. Affected: yes.
Comment: Not observed at significant frequency in large population cohorts (gnomAD); In silico analysis supports that this missense variant does not alter protein structure/function; Has not been previously published as pathogenic or benign to our knowledge

NM_001039591.3(USP9X):c.2998C>T (p.Pro1000Ser)

Gene: USP9X (ubiquitin specific peptidase 9 X-linked; plus strand). Cytogenetic location: Xp11.4.
Variant type: single nucleotide variant.
Coding change: c.2998C>T on transcript NM_001039591.3 (MANE Select); coding-DNA position 2998, C replaced by T.
Protein change: p.Pro1000Ser; replaces proline 1000 with serine.
Molecular consequence: missense variant.
Genome position (GRCh38, 1-based): chrX:41,170,590, C>T. VCF-style: chrX-41170590-C-T. GRCh37 (hg19) VCF-style: chrX-41029843-C-T.
Other names: c.2998C>T, p.Pro1000Ser (NM_001039590.3); c.3013C>T, p.Pro1005Ser (NM_001410748.1, NM_001410749.1); short protein forms P1000S, P1005S.
Identifiers: ClinVar variation 3363474 (VCV003363474.1).